The following is an entry in ClinVar:

NM_002890.3(RASA1):c.226T>G (p.Ser76Ala)

Gene: RASA1 (RAS p21 protein activator 1; plus strand). Cytogenetic location: 5q14.3.
Variant type: single nucleotide variant.
Coding change: c.226T>G on transcript NM_002890.3 (MANE Select); coding-DNA position 226, T replaced by G.
Protein change: p.Ser76Ala; replaces serine 76 with alanine.
Molecular consequence: missense variant.
Genome position (GRCh38, 1-based): chr5:87,268,677, T>G. VCF-style: chr5-87268677-T-G. GRCh37 (hg19) VCF-style: chr5-86564494-T-G.
Other names: short protein forms S76A.
Identifiers: ClinVar variation 1788774 (VCV001788774.2), dbSNP rs1753678869, ClinGen allele CA360417013.

ClinVar aggregate classification (germline): Uncertain significance (1 of 4 stars; one submission).

Conditions:
Cardiovascular phenotype. Identifiers: MedGen CN230736.

Allele frequency attached by ClinVar (database versions not stated): TOPMed below 0.00001.

Submission:

Ambry Genetics
Classification: Uncertain significance for Cardiovascular phenotype. Last evaluated: 2021-06-14. Review status: criteria provided, single submitter. Criteria: Ambry Variant Classification Scheme 2023. Collection method: clinical testing. Allele origin: germline.
Comment: The p.S76A variant (also known as c.226T>G), located in coding exon 1 of the RASA1 gene, results from a T to G substitution at nucleotide position 226. The serine at codon 76 is replaced by alanine, an amino acid with similar properties. This amino acid position is conserved. In addition, this alteration is predicted to be tolerated by in silico analysis. Since supporting evidence is limited at this time, the clinical significance of this alteration remains unclear.